The following is an entry in ClinVar:

NM_198253.3(TERT):c.2644A>T (p.Thr882Ser)

Gene: TERT (telomerase reverse transcriptase; minus strand). Cytogenetic location: 5p15.33.
Variant type: single nucleotide variant.
Coding change: c.2644A>T on transcript NM_198253.3 (MANE Select); coding-DNA position 2644, A replaced by T.
Protein change: p.Thr882Ser; replaces threonine 882 with serine.
Molecular consequence: missense variant. On other transcripts: non-coding transcript variant (2).
Genome position (GRCh38, 1-based): chr5:1,266,474, T>A on the plus strand (A>T on the coding strand, the complement: TERT is on the minus strand). VCF-style: chr5-1266474-T-A. GRCh37 (hg19) VCF-style: chr5-1266589-T-A.
Other names: c.2644A>T, p.Thr882Ser (NM_001193376.3); short protein forms T882S.
Identifiers: ClinVar variation 940866 (VCV000940866.11), dbSNP rs1263276346, ClinGen allele CA359073123.

ClinVar aggregate classification (germline): Uncertain significance. Review status: criteria provided, multiple submitters, no conflicts (2 of 4 stars). 2 submissions from 2 submitters: Uncertain significance (2). Last evaluated 2023-09-05.

Conditions:
Dyskeratosis congenita, autosomal dominant 2. Identifiers: MedGen C3151443, MONDO:0013521, OMIM 613989.
Idiopathic Pulmonary Fibrosis. Also called: Idiopathic fibrosing alveolitis, chronic form; idiopathic fibrosing alveolitis. Identifiers: Orphanet 2032, MedGen C1800706, MeSH D054990, MONDO:0800504.
Dyskeratosis congenita. Identifiers: Orphanet 1775, MedGen C0265965, MONDO:0015780.

Allele frequency attached by ClinVar (database versions not stated): gnomAD exomes below 0.00001; gnomAD 0.00001; TOPMed 0.00001.
gnomAD v4.1: 2 of 1,608,450 alleles (0.00012%); highest among the groups gnomAD compares: African/African-American, 0.0027%; no homozygotes.

Submissions (2):

Ambry Genetics
Classification: Uncertain significance for Dyskeratosis congenita. Last evaluated: 2023-09-05. Review status: criteria provided, single submitter. Criteria: Ambry Variant Classification Scheme 2023. Collection method: clinical testing. Allele origin: germline.
Comment: The p.T882S variant (also known as c.2644A>T), located in coding exon 10 of the TERT gene, results from an A to T substitution at nucleotide position 2644. The threonine at codon 882 is replaced by serine, an amino acid with similar properties. This amino acid position is conserved. In addition, this alteration is predicted to be tolerated by in silico analysis. Since supporting evidence is limited at this time, the clinical significance of this alteration remains unclear.

Labcorp Genetics (formerly Invitae), Labcorp
Classification: Uncertain significance for Dyskeratosis congenita, autosomal dominant 2; Idiopathic Pulmonary Fibrosis. Last evaluated: 2022-03-18. Review status: criteria provided, single submitter. Criteria: Invitae Variant Classification Sherloc (09022015). Collection method: clinical testing. Allele origin: germline.
Comment: Advanced modeling of protein sequence and biophysical properties (such as structural, functional, and spatial information, amino acid conservation, physicochemical variation, residue mobility, and thermodynamic stability) performed at Invitae indicates that this missense variant is not expected to disrupt TERT protein function. This sequence change replaces threonine, which is neutral and polar, with serine, which is neutral and polar, at codon 882 of the TERT protein (p.Thr882Ser). This variant is not present in population databases (gnomAD no frequency). This variant has not been reported in the literature in individuals affected with TERT-related conditions. ClinVar contains an entry for this variant (Variation ID: 940866). In summary, the available evidence is currently insufficient to determine the role of this variant in disease. Therefore, it has been classified as a Variant of Uncertain Significance.